The following is an entry in ClinVar:

ClinVar aggregate classification (germline): Pathogenic. Review status: criteria provided, multiple submitters, no conflicts (2 of 4 stars). 4 submissions from 4 submitters: Pathogenic (4). Last evaluated 2026-04-01.

Conditions:
PRKCSH-related disorder. Also called: PRKCSH-related condition.
Polycystic liver disease 1 (PCLD1). Also called: Polycystic liver disease 1 with or without kidney cysts. Identifiers: Orphanet 2924, MedGen C0887850, MONDO:0008265, OMIM 174050.

Submissions (4):

CeGaT Center for Human Genetics Tuebingen
Classification: Pathogenic. Last evaluated: 2026-04-01. Review status: criteria provided, single submitter. Criteria: CeGaT Center For Human Genetics Tuebingen Variant Classification Criteria Version 2. Collection method: clinical testing. Allele origin: germline. Affected: yes. Observed: 1 variant allele.
Comment: PRKCSH: PVS1, PS4:Moderate, PM2:Supporting

Labcorp Genetics (formerly Invitae), Labcorp
Classification: Pathogenic. Last evaluated: 2024-08-29. Review status: criteria provided, single submitter. Criteria: Invitae Variant Classification Sherloc (09022015). Collection method: clinical testing. Allele origin: germline.
Comment: This sequence change creates a premature translational stop signal (p.Tyr423*) in the PRKCSH gene. It is expected to result in an absent or disrupted protein product. Loss-of-function variants in PRKCSH are known to be pathogenic (PMID: 12529853, 12577059, 20095989). This variant is present in population databases (rs752444824, gnomAD 0.003%). This premature translational stop signal has been observed in individual(s) with clinical features of polycystic liver disease (PMID: 12529853). For these reasons, this variant has been classified as Pathogenic.

Fulgent Genetics
Classification: Pathogenic for Polycystic liver disease 1. Last evaluated: 2024-04-06. Review status: criteria provided, single submitter. Criteria: ACMG Guidelines, 2015. Collection method: clinical testing. Allele origin: germline.

Blueprint Genetics
Classification: Pathogenic for PRKCSH-related disorders. Last evaluated: 2023-11-28. Review status: criteria provided, single submitter. Criteria: ACMG Guidelines, 2015. Collection method: clinical testing. Allele origin: germline. Affected: yes. Observed: 4 variant alleles.

Literature cited by the submitters: PubMed 12529853 (cited by Labcorp Genetics (formerly Invitae), Labcorp); PubMed 12577059 (cited by Labcorp Genetics (formerly Invitae), Labcorp); PubMed 20095989 (cited by Labcorp Genetics (formerly Invitae), Labcorp).

NM_001289104.2(PRKCSH):c.1289dup (p.Tyr430Ter)

Gene: PRKCSH (PRKCSH beta subunit of glucosidase II; plus strand). Cytogenetic location: 19p13.2.
Variant type: Duplication.
Coding change: c.1289dup on transcript NM_001289104.2 (MANE Select); coding-DNA position 1289, one base duplicated (A; older notation c.1289dupA).
Protein change: p.Tyr430Ter; replaces tyrosine 430 with a stop codon.
Molecular consequence: nonsense.
Genome position (GRCh38, 1-based): chr19:11,448,916, A duplicated. VCF-style (leftmost placement, unchanged base first): chr19-11448915-T-TA. GRCh37 (hg19) VCF-style: chr19-11559730-T-TA.
Other names: c.1259dup, p.Tyr420Ter (NM_001001329.3, NM_001289102.2, NM_001379609.1); c.1289dup, p.Tyr430Ter (NM_001289103.2); c.1268dup, p.Tyr423Ter (NM_001379608.1, NM_002743.3); short protein forms Y420*, Y430*, Y423*.
Identifiers: ClinVar variation 3583455 (VCV003583455.6).